The following is an entry in ClinVar:

NM_001298.3(CNGA3):c.242G>A (p.Arg81His)

Gene: CNGA3 (cyclic nucleotide gated channel subunit alpha 3; plus strand). Cytogenetic location: 2q11.2.
Variant type: single nucleotide variant.
Coding change: c.242G>A on transcript NM_001298.3 (MANE Select); coding-DNA position 242, G replaced by A.
Protein change: p.Arg81His; replaces arginine 81 with histidine.
Molecular consequence: missense variant.
Genome position (GRCh38, 1-based): chr2:98,380,201, G>A. VCF-style: chr2-98380201-G-A. GRCh37 (hg19) VCF-style: chr2-98996664-G-A.
Other names: c.242G>A, p.Arg81His (NM_001079878.2); short protein forms R81H.
Identifiers: ClinVar variation 960874 (VCV000960874.9), dbSNP rs149230055, ClinGen allele CA1793676.

ClinVar aggregate classification (germline): Conflicting classifications of pathogenicity. Review status: criteria provided, conflicting classifications (1 of 4 stars). 4 submissions from 4 submitters: Uncertain significance (2); Likely benign (1). 1 of the submissions does not count toward it. Last evaluated 2025-02-20.

Conditions:
Inborn genetic diseases. Identifiers: MedGen C0950123, MeSH D030342.

Allele frequency attached by ClinVar (database versions not stated): ESP Exome Variant Server 0.00015; 1000 Genomes Project 0.00020; TOPMed 0.00029; 1000 Genomes Project 30x 0.00031.
gnomAD v4.1: 98 of 1,614,188 alleles (0.0061%); highest among the groups gnomAD compares: African/African-American, 0.075%; 1 homozygote.

Submissions (4):

Ambry Genetics
Classification: Uncertain significance for Inborn genetic diseases. Last evaluated: 2025-02-20. Review status: criteria provided, single submitter. Criteria: Ambry Variant Classification Scheme 2023. Collection method: clinical testing. Allele origin: germline.

Blueprint Genetics
Classification: Likely benign. Last evaluated: 2024-06-13. Review status: criteria provided, single submitter. Criteria: ACMG Guidelines, 2015. Collection method: clinical testing. Allele origin: germline.

Labcorp Genetics (formerly Invitae), Labcorp
Classification: Uncertain significance. Last evaluated: 2022-09-27. Review status: criteria provided, single submitter. Criteria: Invitae Variant Classification Sherloc (09022015). Collection method: clinical testing. Allele origin: germline.
Comment: This sequence change replaces arginine, which is basic and polar, with histidine, which is basic and polar, at codon 81 of the CNGA3 protein (p.Arg81His). This variant is present in population databases (rs149230055, gnomAD 0.07%). This missense change has been observed in individual(s) with clinical features of retinitis pigmentosa (Invitae). ClinVar contains an entry for this variant (Variation ID: 960874). Advanced modeling of protein sequence and biophysical properties (such as structural, functional, and spatial information, amino acid conservation, physicochemical variation, residue mobility, and thermodynamic stability) performed at Invitae indicates that this missense variant is not expected to disrupt CNGA3 protein function. In summary, the available evidence is currently insufficient to determine the role of this variant in disease. Therefore, it has been classified as a Variant of Uncertain Significance.

Department of Pathology and Laboratory Medicine, Sinai Health System
Classification: Uncertain significance. Review status: no assertion criteria provided. Collection method: clinical testing. Allele origin: unknown. Affected: yes. Study: The Canadian Open Genetics Repository (COGR). Not counted in ClinVar's aggregate classification.
Comment: The CNGA3 p.R81H variant was not identified in the literature but was identified in dbSNP (ID: rs149230055) and ClinVar (classified as uncertain significance by Invitae). The variant was identified in control databases in 33 of 282820 chromosomes at a frequency of 0.0001167 (Genome Aggregation Database March 6, 2019, v2.1.1). The p.R81 residue is conserved in mammals however computational analyses (MUT Assesor, PolyPhen-2, SIFT, MutationTaster, Revel, FATHMM, MetaLR, DANN) do not suggest a high likelihood of impact to the protein; this information is not very predictive of pathogenicity. The variant occurs outside of the splicing consensus sequence and in silico or computational prediction software programs (Splice AI exome) do not predict a difference in splicing. In summary, based on the above information the clinical significance of this variant cannot be determined with certainty at this time. This variant is classified as a variant of uncertain significance.